The following is an entry in ClinVar:

ClinVar aggregate classification (germline): Uncertain significance (1 of 4 stars; one submission).

Conditions:
Arrhythmogenic right ventricular dysplasia 9 (ARVD9). Also called: Arrhythmogenic Right Ventricular Dysplasia/Cardiomyopathy 9; ARRHYTHMOGENIC RIGHT VENTRICULAR DYSPLASIA, FAMILIAL, 9. Identifiers: MedGen C1836906, MONDO:0012180, OMIM 609040.

Allele frequency attached by ClinVar (database versions not stated): gnomAD 0.00001; TOPMed 0.00001.
gnomAD v4.1: 2 of 1,613,358 alleles (0.00012%); highest among the groups gnomAD compares: Non-Finnish European, 0.000085%; no homozygotes.

Submission:

Labcorp Genetics (formerly Invitae), Labcorp
Classification: Uncertain significance for Arrhythmogenic right ventricular dysplasia 9. Last evaluated: 2022-04-18. Review status: criteria provided, single submitter. Criteria: Invitae Variant Classification Sherloc (09022015). Collection method: clinical testing. Allele origin: germline.
Comment: Algorithms developed to predict the effect of missense changes on protein structure and function (SIFT, PolyPhen-2, Align-GVGD) all suggest that this variant is likely to be tolerated. This variant has not been reported in the literature in individuals affected with PKP2-related conditions. This variant is not present in population databases (gnomAD no frequency). This sequence change replaces glutamine, which is neutral and polar, with histidine, which is basic and polar, at codon 444 of the PKP2 protein (p.Gln444His). In summary, the available evidence is currently insufficient to determine the role of this variant in disease. Therefore, it has been classified as a Variant of Uncertain Significance.

NM_001005242.3(PKP2):c.1332G>C (p.Gln444His)

Gene: PKP2 (plakophilin 2; minus strand). Cytogenetic location: 12p11.21.
Variant type: single nucleotide variant.
Coding change: c.1332G>C on transcript NM_001005242.3 (MANE Select); coding-DNA position 1332, G replaced by C.
Protein change: p.Gln444His; replaces glutamine 444 with histidine.
Molecular consequence: missense variant.
Genome position (GRCh38, 1-based): chr12:32,850,812, C>G on the plus strand (G>C on the coding strand, the complement: PKP2 is on the minus strand). VCF-style: chr12-32850812-C-G. GRCh37 (hg19) VCF-style: chr12-33003746-C-G.
Other names: c.1332G>C, p.Gln444His (NM_001407155.1, NM_001407156.1, NM_001407157.1 and 2 more transcripts); c.1005G>C, p.Gln335His (NM_001407158.1, NM_001407159.1, NM_001407160.1 and 1 more transcripts); short protein forms Q335H, Q444H.
Identifiers: ClinVar variation 1962869 (VCV001962869.5), dbSNP rs1452293346, ClinGen allele CA384369841.
Genomic context (GRCh38, chr12:32,850,812, plus strand): 5'-TCAGTAAGCACTACCTGTTATTTGTTTTTTAGTCTCCAAGTCTCTGGTTTGCTTCAGCAC[C>G]TGGAGCAGCCGAGGTACCCCATTTAGTTCAGCCACCTCCAATTTGTTGTCATTGTCTTCA-3'
Protein context (NP_001005242.2, residues 434-454): AELNGVPRLL[Gln444His]VLKQTRDLET